The following is an entry in ClinVar:

NM_000188.3(HK1):c.366T>A (p.Ser122Arg)

Gene: HK1 (hexokinase 1; plus strand). Cytogenetic location: 10q22.1.
Variant type: single nucleotide variant.
Coding change: c.366T>A on transcript NM_000188.3 (MANE Select); coding-DNA position 366, T replaced by A.
Protein change: p.Ser122Arg; replaces serine 122 with arginine.
Molecular consequence: missense variant. On other transcripts: 5 prime UTR variant (2), non-coding transcript variant (2), intron variant (2).
Genome position (GRCh38, 1-based): chr10:69,360,036, T>A. VCF-style: chr10-69360036-T-A. GRCh37 (hg19) VCF-style: chr10-71119792-T-A.
Other names: c.378T>A, p.Ser126Arg (NM_001322364.2, NM_001358263.1, NM_033497.3 and 1 more transcripts); c.471T>A, p.Ser157Arg (NM_001322365.2); c.282T>A, p.Ser94Arg (NM_001322366.1, NM_001441143.1); c.366T>A, p.Ser122Arg (NM_001322367.1, NM_001441139.1, NM_001441141.1 and 5 more transcripts); c.357T>A, p.Ser119Arg (NM_001441140.1); c.324T>A, p.Ser108Arg (NM_001441142.1); c.144T>A, p.Ser48Arg (NM_001441147.1); c.-371T>A (NM_001441152.1); and 5 more; short protein forms S108R, S121R, S122R, S126R, S94R, S119R, S48R, S110R.
Identifiers: ClinVar variation 4746516 (VCV004746516.1).

ClinVar aggregate classification (germline): Uncertain significance (1 of 4 stars; one submission).

Submission:

Labcorp Genetics (formerly Invitae), Labcorp
Classification: Uncertain significance. Last evaluated: 2025-06-18. Review status: criteria provided, single submitter. Criteria: Invitae Variant Classification Sherloc (09022015). Collection method: clinical testing. Allele origin: germline.
Comment: This sequence change replaces serine, which is neutral and polar, with arginine, which is basic and polar, at codon 122 of the HK1 protein (p.Ser122Arg). This variant is not present in population databases (gnomAD no frequency). This variant has not been reported in the literature in individuals affected with HK1-related conditions. Invitae Evidence Modeling of protein sequence and biophysical properties (such as structural, functional, and spatial information, amino acid conservation, physicochemical variation, residue mobility, and thermodynamic stability) indicates that this missense variant is not expected to disrupt HK1 protein function with a negative predictive value of 80%. In summary, the available evidence is currently insufficient to determine the role of this variant in disease. Therefore, it has been classified as a Variant of Uncertain Significance.